The following is an entry in ClinVar:

ClinVar aggregate classification (germline): Uncertain significance. Review status: criteria provided, multiple submitters, no conflicts (2 of 4 stars). 2 submissions from 2 submitters: Uncertain significance (2). Last evaluated 2026-07-31.

Conditions:
Cardiovascular phenotype. Identifiers: MedGen CN230736.

gnomAD v4.1: 5 of 1,613,844 alleles (0.00031%); highest among the groups gnomAD compares: Non-Finnish European, 0.00042%; no homozygotes.

Submissions (2):

Ambry Genetics
Classification: Uncertain significance for Cardiovascular phenotype. Last evaluated: 2026-07-31. Review status: criteria provided, single submitter. Criteria: Ambry Variant Classification Scheme 2023. Collection method: clinical testing. Allele origin: germline.
Comment: The p.F1628V variant (also known as c.4882T>G), located in coding exon 8 of the ALMS1 gene, results from a T to G substitution at nucleotide position 4882. The phenylalanine at codon 1628 is replaced by valine, an amino acid with highly similar properties. This amino acid position is well conserved in available vertebrate species. In addition, the in silico prediction for this alteration is inconclusive. Based on the available evidence, the clinical significance of this variant remains unclear.

CeGaT Center for Human Genetics Tuebingen
Classification: Uncertain significance. Last evaluated: 2024-09-01. Review status: criteria provided, single submitter. Criteria: CeGaT Center For Human Genetics Tuebingen Variant Classification Criteria Version 2. Collection method: clinical testing. Allele origin: germline. Affected: yes. Observed: 1 variant allele.
Comment: ALMS1: PM2, BP4

NM_001378454.1(ALMS1):c.4879T>G (p.Phe1627Val)

Gene: ALMS1 (ALMS1 centrosome and basal body associated protein; plus strand). Cytogenetic location: 2p13.1.
Variant type: single nucleotide variant.
Coding change: c.4879T>G on transcript NM_001378454.1 (MANE Select); coding-DNA position 4879, T replaced by G.
Protein change: p.Phe1627Val; replaces phenylalanine 1627 with valine.
Molecular consequence: missense variant.
Genome position (GRCh38, 1-based): chr2:73,451,406, T>G. VCF-style: chr2-73451406-T-G. GRCh37 (hg19) VCF-style: chr2-73678533-T-G.
Other names: c.4882T>G, p.Phe1628Val (NM_015120.4); short protein forms F1627V, F1628V.
Identifiers: ClinVar variation 3389770 (VCV003389770.15).